The following is an entry in ClinVar:

NM_000447.3(PSEN2):c.1130C>T (p.Ala377Val)

Gene: PSEN2 (presenilin 2; plus strand). Cytogenetic location: 1q42.13.
Variant type: single nucleotide variant.
Coding change: c.1130C>T on transcript NM_000447.3 (MANE Select); coding-DNA position 1130, C replaced by T.
Protein change: p.Ala377Val; replaces alanine 377 with valine.
Molecular consequence: missense variant.
Genome position (GRCh38, 1-based): chr1:226,894,064, C>T. VCF-style: chr1-226894064-C-T. GRCh37 (hg19) VCF-style: chr1-227081765-C-T.
Other names: c.1127C>T, p.Ala376Val (NM_012486.3); short protein forms A376V, A377V.
Identifiers: ClinVar variation 3048009 (VCV003048009.2), dbSNP rs199714082, ClinGen allele CA1424808.

ClinVar aggregate classification (germline): Uncertain significance (0 of 4 stars; one submission).

Conditions:
PSEN2-related disorder. Also called: PSEN2-related condition.

Allele frequency attached by ClinVar (database versions not stated): TOPMed 0.00001; gnomAD 0.00004; ExAC 0.00006; gnomAD exomes 0.00006.
gnomAD v4.1: 89 of 1,614,046 alleles (0.0055%); highest among the groups gnomAD compares: Middle Eastern, 0.066%; no homozygotes.

Submission:

PreventionGenetics, part of Exact Sciences
Classification: Uncertain significance for PSEN2-related condition. Last evaluated: 2024-08-23. Review status: no assertion criteria provided. Collection method: clinical testing. Allele origin: germline.
Comment: The PSEN2 c.1130C>T variant is predicted to result in the amino acid substitution p.Ala377Val. This variant was reported in an individual with dementia, although it was also reported an unaffected relative as well as in an unrelated control sample (Lee et al. 2014. PubMed ID: 25333068). This variant is reported in 0.0062% of alleles in individuals of European (Non-Finnish) descent in gnomAD. At this time, the clinical significance of this variant is uncertain due to the absence of conclusive functional and genetic evidence.